The following is an entry in ClinVar:

NM_000297.4(PKD2):c.843+1G>A

Gene: PKD2 (polycystin 2, transient receptor potential cation channel; plus strand). Cytogenetic location: 4q22.1.
Variant type: single nucleotide variant.
Coding change: c.843+1G>A on transcript NM_000297.4 (MANE Select); the canonical splice donor site of the intron after coding-DNA position 843, G replaced by A.
Molecular consequence: splice donor variant.
Genome position (GRCh38, 1-based): chr4:88,036,354, G>A. VCF-style: chr4-88036354-G-A. GRCh37 (hg19) VCF-style: chr4-88957506-G-A.
Other names: NC_000004.11:g.88957506G>A.
Identifiers: ClinVar variation 997217 (VCV000997217.4), dbSNP rs1727333593, ClinGen allele CA357631726.

ClinVar aggregate classification (germline): Pathogenic. Review status: criteria provided, multiple submitters, no conflicts (2 of 4 stars). 3 submissions from 3 submitters: Pathogenic (2). 1 of the submissions does not count toward it. Last evaluated 2024-08-21.

Conditions:
Polycystic kidney disease. Also called: Polycystic kidney dysplasia; Kidney, Polycystic. Identifiers: MedGen C0022680, MeSH D007690, MONDO:0020642, HP:0000113.
Polycystic kidney disease 2 (PKD2). Also called: Polycystic Kidney Disease 2, Autosomal Dominant; POLYCYSTIC KIDNEY DISEASE, ADULT, TYPE II; POLYCYSTIC KIDNEY DISEASE 2 WITH OR WITHOUT POLYCYSTIC LIVER DISEASE. Identifiers: MedGen C2751306, MONDO:0013131, OMIM 613095.

Submissions (4):

GeneDx
Classification: Pathogenic. Last evaluated: 2024-08-21. Review status: criteria provided, single submitter. Criteria: GeneDx Variant Classification Process June 2021. Collection method: clinical testing. Allele origin: germline. Affected: yes.
Comment: Canonical splice site variant predicted to result in a null allele in a gene for which loss of function is a known mechanism of disease; Not observed at significant frequency in large population cohorts (gnomAD); This variant is associated with the following publications: (PMID: 22508176)

Fulgent Genetics
Classification: Pathogenic for Polycystic kidney disease 2. Last evaluated: 2022-04-07. Review status: criteria provided, single submitter. Criteria: ACMG Guidelines, 2015. Collection method: clinical testing. Allele origin: unknown.

Department of Pathology and Laboratory Medicine, Sinai Health System
Classification: Pathogenic for Polycystic Kidney disease. Review status: no assertion criteria provided. Collection method: clinical testing. Allele origin: unknown. Affected: yes. Study: The Canadian Open Genetics Repository (COGR). Not counted in ClinVar's aggregate classification.
Comment: The PKD2 c.843+1G>A variant was identified in 1 of 1400 proband chromosomes (frequency: 0.0007) from individuals or families with Autosomal Dominant PKD (Audrezet 2012). The variant was also identified in LOVD 3.0 (2x), and the ADPKD Mutation Database (as definitely pathogenic).The variant was not identified in dbSNP, ClinVar, or PKD1-LOVD. The variant was not identified in the following control databases: the Exome Aggregation Consortium (August 8th 2016) or the Genome Aggregation Database (Feb 27, 2017). The c.843+1G>A variant is predicted to cause abnormal splicing because the nucleotide substitution impacts the invariant region of the splice consensus sequence, and in silico or computational prediction software programs (SpliceSiteFinder, MaxEntScan, NNSPLICE) predict a greater than 10% difference in splicing. In summary, based on the above information this variant meets our laboratoryâ€šÃ„Ã´s criteria to be classified as pathogenic.

Dr. Peter K. Rogan Lab, Western University
No classification provided (evidence only). Condition: Ovarian serous cystadenocarcinoma. Review status: no classification provided. Collection method: in vitro. Allele origin: not applicable. Functional consequence: retained intron. Not counted in ClinVar's aggregate classification.